The following is an entry in ClinVar:

ClinVar aggregate classification (germline): Uncertain significance. Review status: criteria provided, multiple submitters, no conflicts (2 of 4 stars). 2 submissions from 2 submitters: Uncertain significance (2). Last evaluated 2024-12-12.

Conditions:
Baller-Gerold syndrome (BGS). Also called: CRANIOSYNOSTOSIS WITH RADIAL DEFECTS. Identifiers: Orphanet 1225, MedGen C0265308, MONDO:0009039, OMIM 218600.
Inborn genetic diseases. Identifiers: MedGen C0950123, MeSH D030342.

Submissions (2):

Ambry Genetics
Classification: Uncertain significance for Inborn genetic diseases. Last evaluated: 2024-12-12. Review status: criteria provided, single submitter. Criteria: Ambry Variant Classification Scheme 2023. Collection method: clinical testing. Allele origin: germline.
Comment: The p.R46G variant (also known as c.136C>G), located in coding exon 3 of the RECQL4 gene, results from a C to G substitution at nucleotide position 136. The arginine at codon 46 is replaced by glycine, an amino acid with dissimilar properties. This amino acid position is conserved. In addition, this alteration is predicted to be tolerated by in silico analysis. Based on the available evidence, the clinical significance of this variant remains unclear.

Labcorp Genetics (formerly Invitae), Labcorp
Classification: Uncertain significance for Baller-Gerold syndrome. Last evaluated: 2024-11-13. Review status: criteria provided, single submitter. Criteria: Invitae Variant Classification Sherloc (09022015). Collection method: clinical testing. Allele origin: germline.
Comment: This sequence change replaces arginine, which is basic and polar, with glycine, which is neutral and non-polar, at codon 46 of the RECQL4 protein (p.Arg46Gly). This variant is not present in population databases (gnomAD no frequency). This variant has not been reported in the literature in individuals affected with RECQL4-related conditions. ClinVar contains an entry for this variant (Variation ID: 2902658). Experimental studies and prediction algorithms are not available or were not evaluated, and the functional significance of this variant is currently unknown. In summary, the available evidence is currently insufficient to determine the role of this variant in disease. Therefore, it has been classified as a Variant of Uncertain Significance.

NM_004260.4(RECQL4):c.136C>G (p.Arg46Gly)

Genes: RECQL4 (RecQ like helicase 4; minus strand), LOC130001411 (ATAC-STARR-seq lymphoblastoid silent region 19699; plus strand). Cytogenetic location: 8q24.3.
Variant type: single nucleotide variant.
Coding change: c.136C>G on transcript NM_004260.4 (MANE Select); coding-DNA position 136, C replaced by G.
Protein change: p.Arg46Gly; replaces arginine 46 with glycine.
Molecular consequence: missense variant. On other transcripts: 5 prime UTR variant (16), non-coding transcript variant (3), intron variant (2).
Genome position (GRCh38, 1-based): chr8:144,517,491, G>C on the plus strand (C>G on the coding strand, the complement: RECQL4 is on the minus strand). VCF-style: chr8-144517491-G-C. GRCh37 (hg19) VCF-style: chr8-145742875-G-C.
Other names: c.136C>G, p.Arg46Gly (NM_001413017.1, NM_001413018.1, NM_001413019.1 and 5 more transcripts); c.-585C>G (NM_001413021.1); c.-936C>G (NM_001413022.1, NM_001413023.1, NM_001413037.1 and 2 more transcripts); c.-833C>G (NM_001413024.1, NM_001413035.1); c.-998C>G (NM_001413027.1, NM_001413030.1, NM_001413031.1 and 1 more transcripts); c.-661C>G (NM_001413028.1); c.-895C>G (NM_001413032.1); c.-840C>G (NM_001413034.1); and 4 more; short protein forms R46G.
Identifiers: ClinVar variation 2902658 (VCV002902658.4), dbSNP rs1268307700, ClinGen allele CA372692744.
Genomic context (GRCh38, chr8:144,517,491, plus strand): 5'-GGAGCGACTCGGAGCTGCGGAGCCCGCCGCCGGCCTGGCCCGTGGTACGCTTCAGAGTGC[G>C]GTATTCCCGGTAGAGCGCTGCGTGGGCGAGCGGGAGGCGGGGTCAGGGTGGGGCCTGGGC-3'
Protein context (NP_004251.4, residues 36-56): EETRALYREY[Arg46Gly]TLKRTTGQAG